The following is an entry in ClinVar:

ClinVar aggregate classification (germline): Uncertain significance (1 of 4 stars; one submission).

Conditions:
Encephalopathy, acute, infection-induced (herpes-specific), susceptibility to, 1. Also called: Herpes simplex encephalitis, susceptibility to, 1. Identifiers: Orphanet 1930, MedGen C2750180, MONDO:0024563, OMIM 610551.

Allele frequency attached by ClinVar (database versions not stated): gnomAD exomes below 0.00001.
gnomAD v4.1: 4 of 1,614,036 alleles (0.00025%); highest among the groups gnomAD compares: Non-Finnish European, 0.00025%; no homozygotes.

Submission:

Labcorp Genetics (formerly Invitae), Labcorp
Classification: Uncertain significance for Encephalopathy, acute, infection-induced (herpes-specific), susceptibility to, 1. Last evaluated: 2022-11-23. Review status: criteria provided, single submitter. Criteria: Invitae Variant Classification Sherloc (09022015). Collection method: clinical testing. Allele origin: germline.
Comment: This sequence change replaces aspartic acid, which is acidic and polar, with asparagine, which is neutral and polar, at codon 698 of the TLR3 protein (p.Asp698Asn). This variant is not present in population databases (gnomAD no frequency). This variant has not been reported in the literature in individuals affected with TLR3-related conditions. Algorithms developed to predict the effect of missense changes on protein structure and function (SIFT, PolyPhen-2, Align-GVGD) all suggest that this variant is likely to be tolerated. In summary, the available evidence is currently insufficient to determine the role of this variant in disease. Therefore, it has been classified as a Variant of Uncertain Significance.

NM_003265.3(TLR3):c.2092G>A (p.Asp698Asn)

Gene: TLR3 (toll like receptor 3; plus strand). Cytogenetic location: 4q35.1.
Variant type: single nucleotide variant.
Coding change: c.2092G>A on transcript NM_003265.3 (MANE Select); coding-DNA position 2092, G replaced by A.
Protein change: p.Asp698Asn; replaces aspartic acid 698 with asparagine.
Molecular consequence: missense variant.
Genome position (GRCh38, 1-based): chr4:186,083,778, G>A. VCF-style: chr4-186083778-G-A. GRCh37 (hg19) VCF-style: chr4-187004932-G-A.
Other names: short protein forms D698N.
Identifiers: ClinVar variation 2728326 (VCV002728326.3), dbSNP rs2478228945, ClinGen allele CA358934935.